The following is an entry in ClinVar:

NM_001369.3(DNAH5):c.10138G>T (p.Glu3380Ter)

Gene: DNAH5 (dynein axonemal heavy chain 5; minus strand). Cytogenetic location: 5p15.2.
Variant type: single nucleotide variant.
Coding change: c.10138G>T on transcript NM_001369.3 (MANE Select); coding-DNA position 10138, G replaced by T.
Protein change: p.Glu3380Ter; replaces glutamic acid 3380 with a stop codon.
Molecular consequence: nonsense.
Genome position (GRCh38, 1-based): chr5:13,762,865, C>A on the plus strand (G>T on the coding strand, the complement: DNAH5 is on the minus strand). VCF-style: chr5-13762865-C-A. GRCh37 (hg19) VCF-style: chr5-13762974-C-A.
Other names: short protein forms E3380*.
Identifiers: ClinVar variation 2163607 (VCV002163607.4), dbSNP rs1751975175, ClinGen allele CA359198813.

ClinVar aggregate classification (germline): Pathogenic (1 of 4 stars; one submission).

Conditions:
Primary ciliary dyskinesia. Also called: Ciliary dyskinesia. Identifiers: Orphanet 244, MedGen C0008780, MONDO:0016575, HP:0012265.

Allele frequency attached by ClinVar (database versions not stated): gnomAD 0.00001; TOPMed 0.00001.
gnomAD v4.1: 1 of 1,613,848 alleles (0.000062%); highest among the groups gnomAD compares: African/African-American, 0.0013%; no homozygotes.

Submission:

Labcorp Genetics (formerly Invitae), Labcorp
Classification: Pathogenic for Primary ciliary dyskinesia. Last evaluated: 2022-05-15. Review status: criteria provided, single submitter. Criteria: Invitae Variant Classification Sherloc (09022015). Collection method: clinical testing. Allele origin: germline.
Comment: For these reasons, this variant has been classified as Pathogenic. This variant has not been reported in the literature in individuals affected with DNAH5-related conditions. This variant is not present in population databases (gnomAD no frequency). This sequence change creates a premature translational stop signal (p.Glu3380*) in the DNAH5 gene. It is expected to result in an absent or disrupted protein product. Loss-of-function variants in DNAH5 are known to be pathogenic (PMID: 11788826, 16627867).

Literature cited by the submitters: PubMed 11788826; PubMed 16627867.